The following is an entry in ClinVar:

ClinVar aggregate classification (germline): Likely benign (1 of 4 stars; one submission).

Allele frequency attached by ClinVar (database versions not stated): ExAC 0.00003; gnomAD 0.00003; gnomAD exomes 0.00003; TOPMed 0.00004.
gnomAD v4.1: 56 of 1,614,018 alleles (0.0035%); highest among the groups gnomAD compares: Middle Eastern, 0.033%; no homozygotes.

Submission:

CeGaT Center for Human Genetics Tuebingen
Classification: Likely benign. Last evaluated: 2022-11-01. Review status: criteria provided, single submitter. Criteria: CeGaT Center For Human Genetics Tuebingen Variant Classification Criteria Version 2. Collection method: clinical testing. Allele origin: germline. Affected: yes. Observed: 1 variant allele.
Comment: AGFG1: BP4, BP7

NM_004504.5(AGFG1):c.1533C>T (p.Pro511=)

Gene: AGFG1 (ArfGAP with FG repeats 1; plus strand). Cytogenetic location: 2q36.3.
Variant type: single nucleotide variant.
Coding change: c.1533C>T on transcript NM_004504.5 (MANE Select); coding-DNA position 1533, C replaced by T.
Protein change: p.Pro511=; no amino-acid change (proline 511 retained).
Molecular consequence: synonymous variant.
Genome position (GRCh38, 1-based): chr2:227,552,113, C>T. VCF-style: chr2-227552113-C-T. GRCh37 (hg19) VCF-style: chr2-228416829-C-T.
Other names: c.1605C>T, p.Pro535= (NM_001135187.2); c.1533C>T, p.Pro511= (NM_001135188.2); c.1413C>T, p.Pro471= (NM_001135189.2).
Identifiers: ClinVar variation 2651962 (VCV002651962.24), dbSNP rs529173258, ClinGen allele CA2148844.